The following is an entry in ClinVar:

ClinVar aggregate classification (germline): Uncertain significance (1 of 4 stars; one submission).

Submission:

Ambry Genetics
Classification: Uncertain significance. Last evaluated: 2024-02-20. Review status: criteria provided, single submitter. Criteria: Ambry Variant Classification Scheme 2023. Collection method: clinical testing. Allele origin: germline.
Comment: The p.A1169P variant (also known as c.3505G>C), located in coding exon 4 of the MLH3 gene, results from a G to C substitution at nucleotide position 3505. The alanine at codon 1169 is replaced by proline, an amino acid with highly similar properties. This amino acid position is conserved. In addition, the in silico prediction for this alteration is inconclusive. Since supporting evidence is limited at this time, the clinical significance of this alteration remains unclear.

NM_001040108.2(MLH3):c.3505G>C (p.Ala1169Pro)

Gene: MLH3 (mutL homolog 3; minus strand). Cytogenetic location: 14q24.3.
Variant type: single nucleotide variant.
Coding change: c.3505G>C on transcript NM_001040108.2 (MANE Select); coding-DNA position 3505, G replaced by C.
Protein change: p.Ala1169Pro; replaces alanine 1169 with proline.
Molecular consequence: missense variant.
Genome position (GRCh38, 1-based): chr14:75,039,976, C>G on the plus strand (G>C on the coding strand, the complement: MLH3 is on the minus strand). VCF-style: chr14-75039976-C-G. GRCh37 (hg19) VCF-style: chr14-75506679-C-G.
Other names: c.3505G>C, p.Ala1169Pro (NM_014381.3); short protein forms A1169P.
Identifiers: ClinVar variation 1732109 (VCV001732109.2), dbSNP rs1891724147, ClinGen allele CA390428881.